The following is an entry in ClinVar:

ClinVar aggregate classification (germline): Likely pathogenic (1 of 4 stars; one submission).

Conditions:
Neurodevelopmental disorder with hypotonia, impaired speech, and behavioral abnormalities (NEDHISB). Also called: GNAI1-Related Neurodevelopmental Disorder. Identifiers: MedGen C5676975, MONDO:0859243, OMIM 619854.

gnomAD v4.1: 1 of 1,577,746 alleles (0.000063%); no homozygotes.

Submission:

3billion
Classification: Likely pathogenic for Neurodevelopmental disorder with hypotonia, impaired speech, and behavioral abnormalities. Last evaluated: 2024-11-15. Review status: criteria provided, single submitter. Criteria: ACMG Guidelines, 2015. Collection method: clinical testing. Allele origin: germline. Affected: yes.
Comment: The variant is observed at an extremely low frequency in the gnomAD v4.1.0 dataset (total allele frequency: <0.001%). Predicted Consequence/Location: Missense variant. Missense changes are a common disease-causing mechanism. In silico tool predictions suggest damaging effect of the variant on gene or gene product [REVEL: 0.95 (>=0.6, sensitivity 0.68 and specificity 0.92); 3Cnet: 0.98 (>=0.6, sensitivity 0.72 and precision 0.9)]. Different missense changes at the same codon (p.Asp272Asn, p.Asp272Gly) have been reported as pathogenic/likely pathogenic with strong evidence (ClinVar ID: VCV001335674, VCV001686920 /PMID: 34819662). Therefore, this variant is classified as Likely pathogenic according to the recommendation of ACMG/AMP guideline.

Literature cited by the submitters: PubMed 34819662.

NM_002069.6(GNAI1):c.814G>C (p.Asp272His)

Gene: GNAI1 (G protein subunit alpha i1; plus strand). Cytogenetic location: 7q21.11.
Variant type: single nucleotide variant.
Coding change: c.814G>C on transcript NM_002069.6 (MANE Select); coding-DNA position 814, G replaced by C.
Protein change: p.Asp272His; replaces aspartic acid 272 with histidine.
Molecular consequence: missense variant.
Genome position (GRCh38, 1-based): chr7:80,212,809, G>C. VCF-style: chr7-80212809-G-C. GRCh37 (hg19) VCF-style: chr7-79842125-G-C.
Other names: c.658G>C, p.Asp220His (NM_001256414.2); short protein forms D220H, D272H.
Identifiers: ClinVar variation 4293365 (VCV004293365.1).